The following is an entry in ClinVar:

ClinVar aggregate classification (germline): Uncertain significance (1 of 4 stars; one submission).

Submission:

GeneDx
Classification: Uncertain significance. Last evaluated: 2023-05-09. Review status: criteria provided, single submitter. Criteria: GeneDx Variant Classification Process June 2021. Collection method: clinical testing. Allele origin: germline. Affected: yes.
Comment: Frameshift variant predicted to result in protein truncation or nonsense mediated decay in a gene or region of a gene for which loss of function is not a well-established mechanism of disease; Has not been previously published as pathogenic or benign to our knowledge; Variants in candidate genes are classified as variants of uncertain significance in accordance with ACMG guidelines (Richards et al., 2015)

NM_000718.4(CACNA1B):c.160_161del (p.Arg54fs)

Genes: CACNA1B (calcium voltage-gated channel subunit alpha1 B; plus strand), LOC100133077 (uncharacterized LOC100133077; minus strand). Cytogenetic location: 9q34.3.
Variant type: Microsatellite.
Coding change: c.160_161del on transcript NM_000718.4 (MANE Select); coding-DNA positions 160 to 161, 2 bases deleted (CG; older notation c.160_161delCG).
Protein change: p.Arg54fs; shifts the reading frame from arginine 54.
Molecular consequence: frameshift variant.
Genome position (GRCh38, 1-based): chr9:137,878,093-137,878,094, CG deleted; deleting any 2 consecutive bases within chr9:137,878,086-137,878,094 gives the same sequence; the c. name uses the placement nearest the transcript's 3' end. VCF-style (leftmost placement, unchanged base first): chr9-137878085-AGC-A. GRCh37 (hg19) VCF-style: chr9-140772537-AGC-A.
Other names: c.160_161del, p.Arg54fs (NM_001243812.2); short protein forms R54fs.
Identifiers: ClinVar variation 3343210 (VCV003343210.1).